The following is an entry in ClinVar:

NM_000553.6(WRN):c.3601A>G (p.Ile1201Val)

Gene: WRN (WRN RecQ like helicase; plus strand). Cytogenetic location: 8p12.
Variant type: single nucleotide variant.
Coding change: c.3601A>G on transcript NM_000553.6 (MANE Select); coding-DNA position 3601, A replaced by G.
Protein change: p.Ile1201Val; replaces isoleucine 1201 with valine.
Molecular consequence: missense variant.
Genome position (GRCh38, 1-based): chr8:31,150,369, A>G. VCF-style: chr8-31150369-A-G. GRCh37 (hg19) VCF-style: chr8-31007885-A-G.
Other names: short protein forms I1201V.
Identifiers: ClinVar variation 1715281 (VCV001715281.5), dbSNP rs2130454038, ClinGen allele CA370927499.
Genomic context (GRCh38, chr8:31,150,369, plus strand): 5'-TTTGTTGTTGTTGTTGTTGTTGTTAAACACAGACCAACTACGGTTGAAAACGTAAAAAGG[A>G]TTGATGGTGTTTCTGAAGGCAAAGCTGCCATGTTGGCCCCTCTGTTGGAAGTCATCAAAC-3'
Protein context (NP_000544.2, residues 1191-1211): RPTTVENVKR[Ile1201Val]DGVSEGKAAM

ClinVar aggregate classification (germline): Uncertain significance (1 of 4 stars; one submission).

Conditions:
Werner syndrome (WRN). Identifiers: Orphanet 902, MedGen C0043119, MONDO:0010196, OMIM 277700.

Submission:

Labcorp Genetics (formerly Invitae), Labcorp
Classification: Uncertain significance for Werner syndrome. Last evaluated: 2022-08-06. Review status: criteria provided, single submitter. Criteria: Invitae Variant Classification Sherloc (09022015). Collection method: clinical testing. Allele origin: germline.
Comment: This sequence change replaces isoleucine, which is neutral and non-polar, with valine, which is neutral and non-polar, at codon 1201 of the WRN protein (p.Ile1201Val). This variant is not present in population databases (gnomAD no frequency). This variant has not been reported in the literature in individuals affected with WRN-related conditions. Algorithms developed to predict the effect of missense changes on protein structure and function are either unavailable or do not agree on the potential impact of this missense change (SIFT: "Not Available"; PolyPhen-2: "Possibly Damaging"; Align-GVGD: "Not Available"). In summary, the available evidence is currently insufficient to determine the role of this variant in disease. Therefore, it has been classified as a Variant of Uncertain Significance.